The following is an entry in ClinVar:

NM_000370.3(TTPA):c.660A>G (p.Glu220=)

Gene: TTPA (alpha tocopherol transfer protein; minus strand). Cytogenetic location: 8q12.3.
Variant type: single nucleotide variant.
Coding change: c.660A>G on transcript NM_000370.3 (MANE Select); coding-DNA position 660, A replaced by G.
Protein change: p.Glu220=; no amino-acid change (glutamic acid 220 retained).
Molecular consequence: synonymous variant.
Genome position (GRCh38, 1-based): chr8:63,064,209, T>C on the plus strand (A>G on the coding strand, the complement: TTPA is on the minus strand). VCF-style: chr8-63064209-T-C. GRCh37 (hg19) VCF-style: chr8-63976768-T-C.
Identifiers: ClinVar variation 1583222 (VCV001583222.22), dbSNP rs766108497, ClinGen allele CA4763182.

ClinVar aggregate classification (germline): Likely benign. Review status: criteria provided, multiple submitters, no conflicts (2 of 4 stars). 2 submissions from 2 submitters: Likely benign (2). Last evaluated 2025-04-23.

Allele frequency attached by ClinVar (database versions not stated): ExAC 0.00001; gnomAD exomes 0.00001; TOPMed 0.00001; gnomAD 0.00002.
gnomAD v4.1: 21 of 1,608,684 alleles (0.0013%); highest among the groups gnomAD compares: Non-Finnish European, 0.0017%; no homozygotes.

Submissions (2):

Labcorp Genetics (formerly Invitae), Labcorp
Classification: Likely benign. Last evaluated: 2025-04-23. Review status: criteria provided, single submitter. Criteria: Invitae Variant Classification Sherloc (09022015). Collection method: clinical testing. Allele origin: germline.

CeGaT Center for Human Genetics Tuebingen
Classification: Likely benign. Last evaluated: 2024-11-01. Review status: criteria provided, single submitter. Criteria: CeGaT Center For Human Genetics Tuebingen Variant Classification Criteria Version 2. Collection method: clinical testing. Allele origin: germline. Affected: yes. Observed: 1 variant allele.
Comment: TTPA: BP4, BP7